The following is an entry in ClinVar:

ClinVar aggregate classification (germline): Uncertain significance (1 of 4 stars; one submission).

Conditions:
Spondylocostal dysostosis 4, autosomal recessive (SCDO4). Also called: HES7-Related Spondylocostal Dysostosis, Autosomal Recessive. Identifiers: Orphanet 2311, MedGen C3150942, MONDO:0013366, OMIM 613686.

Submission:

Human Genetics Bochum, Ruhr University Bochum
Classification: Uncertain significance for Spondylocostal dysostosis 4, autosomal recessive. Last evaluated: 2025-11-27. Review status: criteria provided, single submitter. Criteria: ACMG Guidelines, 2015. Collection method: clinical testing. Allele origin: germline. Affected: yes.
Comment: in homozygous state; ACMG criteria used to clasify this variant: PM4_mod, PM2_sup

NM_001165967.2(HES7):c.674del (p.Phe225fs)

Genes: HES7 (hes family bHLH transcription factor 7; minus strand), LOC130060203 (ATAC-STARR-seq lymphoblastoid silent region 8155; plus strand). Cytogenetic location: 17p13.1.
Variant type: Deletion.
Coding change: c.674del on transcript NM_001165967.2 (MANE Select); coding-DNA position 674, one base deleted (T; older notation c.674delT).
Protein change: p.Phe225fs; shifts the reading frame from phenylalanine 225.
Molecular consequence: frameshift variant.
Genome position (GRCh38, 1-based): chr17:8,121,590, A deleted on the plus strand (T on the coding strand, the reverse complement: HES7 is on the minus strand); the first of 3 consecutive A bases (chr17:8,121,590-8,121,592); deleting any one gives the same sequence. VCF-style (leftmost placement, unchanged base first): chr17-8121589-GA-G. GRCh37 (hg19) VCF-style: chr17-8024907-GA-G.
Other names: c.659del, p.Phe220fs (NM_032580.4); short protein forms F220fs, F225fs.
Identifiers: ClinVar variation 4687974 (VCV004687974.1).
Genomic context (GRCh38, chr17:8,121,589, plus strand): 5'-TCTACCCCACCCCTAGACCCCGCCCCCACCACCCCCCAAGGCTCAGGGCCAAGGTCTCCA[GA>G]AAGCGGGCGGCGGGGGCAGCGGGGCCTTGGGCGCCCCGTCTTGTCTGTGAGGCGGCGGTG-3'